The following is an entry in ClinVar:

ClinVar aggregate classification (germline): Uncertain significance. Review status: criteria provided, multiple submitters, no conflicts (2 of 4 stars). 2 submissions from 2 submitters: Uncertain significance (2). Last evaluated 2022-07-08.

Conditions:
Tay-Sachs disease (TSD). Also called: GM2 gangliosidosis, type 1; Hexosaminidase alpha-subunit deficiency (variant B); Sphingolipidosis, Tay-Sachs; Hexosaminidase A Deficiency; HEXA DEFICIENCY; HEXA Disorders. Identifiers: Orphanet 845, MedGen C0039373, MONDO:0010100, OMIM 272800.
Inborn genetic diseases. Identifiers: MedGen C0950123, MeSH D030342.

Allele frequency attached by ClinVar (database versions not stated): gnomAD exomes 0.00001; ExAC 0.00002; gnomAD 0.00003; TOPMed 0.00006; ESP Exome Variant Server 0.00023.
gnomAD v4.1: 17 of 1,614,020 alleles (0.0011%); highest among the groups gnomAD compares: African/African-American, 0.013%; no homozygotes.

Submissions (2):

Labcorp Genetics (formerly Invitae), Labcorp
Classification: Uncertain significance for Tay-Sachs disease. Last evaluated: 2022-07-08. Review status: criteria provided, single submitter. Criteria: Invitae Variant Classification Sherloc (09022015). Collection method: clinical testing. Allele origin: germline.
Comment: This sequence change replaces isoleucine, which is neutral and non-polar, with threonine, which is neutral and polar, at codon 389 of the HEXA protein (p.Ile389Thr). This variant is present in population databases (rs146714642, gnomAD 0.02%). This variant has not been reported in the literature in individuals affected with HEXA-related conditions. Algorithms developed to predict the effect of missense changes on protein structure and function are either unavailable or do not agree on the potential impact of this missense change (SIFT: "Deleterious"; PolyPhen-2: "Possibly Damaging"; Align-GVGD: "Class C0"). In summary, the available evidence is currently insufficient to determine the role of this variant in disease. Therefore, it has been classified as a Variant of Uncertain Significance.

Ambry Genetics
Classification: Uncertain significance for Inborn genetic diseases. Last evaluated: 2022-05-31. Review status: criteria provided, single submitter. Criteria: Ambry Variant Classification Scheme 2023. Collection method: clinical testing. Allele origin: germline.

NM_000520.6(HEXA):c.1166T>C (p.Ile389Thr)

Gene: HEXA (hexosaminidase subunit alpha; minus strand). Cytogenetic location: 15q23.
Variant type: single nucleotide variant.
Coding change: c.1166T>C on transcript NM_000520.6 (MANE Select); coding-DNA position 1166, T replaced by C.
Protein change: p.Ile389Thr; replaces isoleucine 389 with threonine.
Molecular consequence: missense variant.
Genome position (GRCh38, 1-based): chr15:72,346,691, A>G on the plus strand (T>C on the coding strand, the complement: HEXA is on the minus strand). VCF-style: chr15-72346691-A-G. GRCh37 (hg19) VCF-style: chr15-72639032-A-G.
Other names: c.1199T>C, p.Ile400Thr (NM_001318825.2); c.1166T>C (NM_000520.4); short protein forms I389T, I400T.
Identifiers: ClinVar variation 2168897 (VCV002168897.2), dbSNP rs146714642, ClinGen allele CA7644767.